The following is an entry in ClinVar:

ClinVar aggregate classification (germline): Uncertain significance (1 of 4 stars; one submission).

Submission:

Ambry Genetics
Classification: Uncertain significance. Last evaluated: 2025-04-06. Review status: criteria provided, single submitter. Criteria: Ambry Variant Classification Scheme 2023. Collection method: clinical testing. Allele origin: germline.
Comment: The p.P11S variant (also known as c.31C>T), located in coding exon 1 of the WNK2 gene, results from a C to T substitution at nucleotide position 31. The proline at codon 11 is replaced by serine, an amino acid with similar properties. This amino acid position is conserved. In addition, this alteration is predicted to be tolerated by in silico analysis. Based on the available evidence, the clinical significance of this variant remains unclear.

NM_006648.4(WNK2):c.31C>T (p.Pro11Ser)

Gene: WNK2 (WNK lysine deficient protein kinase 2; plus strand). Cytogenetic location: 9q22.31.
Variant type: single nucleotide variant.
Coding change: c.31C>T on transcript NM_006648.4 (MANE Select); coding-DNA position 31, C replaced by T.
Protein change: p.Pro11Ser; replaces proline 11 with serine.
Molecular consequence: missense variant.
Genome position (GRCh38, 1-based): chr9:93,184,960, C>T. VCF-style: chr9-93184960-C-T. GRCh37 (hg19) VCF-style: chr9-95947242-C-T.
Other names: c.31C>T, p.Pro11Ser (NM_001282394.3); short protein forms P11S.
Identifiers: ClinVar variation 3981813 (VCV003981813.1).
Genomic context (GRCh38, chr9:93,184,960, plus strand): 5'-CGCGGGCCTGTGTGTCCTTGGCCCACAGAGATGGACGGCGATGGCGGCCGCCGAGACGTC[C>T]CCGGCACGCTGATGGAGCCCGGGCGCGGCGCGGGGCCCGCGGGCATGGCGGAGCCTCGGG-3'
Protein context (NP_006639.3, residues 1-21): MDGDGGRRDV[Pro11Ser]GTLMEPGRGA